The following is an entry in ClinVar:

NM_003872.3(NRP2):c.1353C>T (p.Ser451=)

Gene: NRP2 (neuropilin 2; plus strand). Cytogenetic location: 2q33.3.
Variant type: single nucleotide variant.
Coding change: c.1353C>T on transcript NM_003872.3 (MANE Select); coding-DNA position 1353, C replaced by T.
Protein change: p.Ser451=; no amino-acid change (serine 451 retained).
Molecular consequence: synonymous variant.
Genome position (GRCh38, 1-based): chr2:205,743,264, C>T. VCF-style: chr2-205743264-C-T. GRCh37 (hg19) VCF-style: chr2-206607988-C-T.
Other names: c.1353C>T, p.Ser451= (NM_018534.4, NM_201264.2, NM_201266.2 and 2 more transcripts).
Identifiers: ClinVar variation 3352056 (VCV003352056.1).

ClinVar aggregate classification (germline): Likely benign (0 of 4 stars; one submission).

Conditions:
NRP2-related disorder. Also called: NRP2-related condition.

gnomAD v4.1: 20 of 1,613,998 alleles (0.0012%); highest among the groups gnomAD compares: South Asian, 0.0033%; no homozygotes.

Submission:

PreventionGenetics, part of Exact Sciences
Classification: Likely benign for NRP2-related condition. Last evaluated: 2024-02-27. Review status: no assertion criteria provided. Collection method: clinical testing. Allele origin: germline.
Comment: This variant is classified as likely benign based on ACMG/AMP sequence variant interpretation guidelines (Richards et al. 2015 PMID: 25741868, with internal and published modifications).